The following is an entry in ClinVar:

NM_004380.3(CREBBP):c.942C>G (p.Ile314Met)

Gene: CREBBP (CREB binding lysine acetyltransferase; minus strand). Cytogenetic location: 16p13.3.
Variant type: single nucleotide variant.
Coding change: c.942C>G on transcript NM_004380.3 (MANE Select); coding-DNA position 942, C replaced by G.
Protein change: p.Ile314Met; replaces isoleucine 314 with methionine.
Molecular consequence: missense variant.
Genome position (GRCh38, 1-based): chr16:3,810,636, G>C on the plus strand (C>G on the coding strand, the complement: CREBBP is on the minus strand). VCF-style: chr16-3810636-G-C. GRCh37 (hg19) VCF-style: chr16-3860637-G-C.
Other names: c.942C>G, p.Ile314Met (NM_001079846.1); short protein forms I314M.
Identifiers: ClinVar variation 1766928 (VCV001766928.6), dbSNP rs772188901, ClinGen allele CA7870560.

ClinVar aggregate classification (germline): Conflicting classifications of pathogenicity. Review status: criteria provided, conflicting classifications (1 of 4 stars). 3 submissions from 3 submitters: Uncertain significance (2); Likely benign (1). Last evaluated 2026-08-31.

Conditions:
Rubinstein-Taybi syndrome (RSTS). Identifiers: Orphanet 783, MedGen C0035934, MONDO:0019188.
Inborn genetic diseases. Identifiers: MedGen C0950123, MeSH D030342.
CREBBP-related disorder. Also called: CREBBP-related condition; CREBBP-related disorders.

Allele frequency attached by ClinVar (database versions not stated): TOPMed below 0.00001; ExAC 0.00001; gnomAD exomes 0.00001.
gnomAD v4.1: 10 of 1,613,856 alleles (0.00062%); highest among the groups gnomAD compares: Admixed American, 0.0017%; no homozygotes.

Submissions (3):

PreventionGenetics, part of Exact Sciences
Classification: Uncertain significance for CREBBP-related condition. Last evaluated: 2026-08-31. Review status: criteria provided, single submitter. Criteria: ACMG Guidelines, 2015. Collection method: clinical testing. Allele origin: germline.
Comment: The CREBBP c.942C>G variant is predicted to result in the amino acid substitution p.Ile314Met. To our knowledge, this variant has not been reported in the literature. This variant is reported in 0.0029% of alleles in individuals of Latino descent in gnomAD. At this time, the clinical significance of this variant is uncertain due to the absence of conclusive functional and genetic evidence.

Labcorp Genetics (formerly Invitae), Labcorp
Classification: Likely benign for Rubinstein-Taybi syndrome. Last evaluated: 2023-05-16. Review status: criteria provided, single submitter. Criteria: Invitae Variant Classification Sherloc (09022015). Collection method: clinical testing. Allele origin: germline.

Ambry Genetics
Classification: Uncertain significance for Inborn genetic diseases. Last evaluated: 2018-07-10. Review status: criteria provided, single submitter. Criteria: Ambry Variant Classification Scheme 2023. Collection method: clinical testing. Allele origin: germline.
Comment: The p.I314M variant (also known as c.942C>G), located in coding exon 3 of the CREBBP gene, results from a C to G substitution at nucleotide position 942. The isoleucine at codon 314 is replaced by methionine, an amino acid with highly similar properties. This amino acid position is well conserved in available vertebrate species. In addition, the in silico prediction for this alteration is inconclusive. Since supporting evidence is limited at this time, the clinical significance of this alteration remains unclear.